The following is an entry in ClinVar:

ClinVar aggregate classification (germline): Uncertain significance (1 of 4 stars; one submission).

Conditions:
Pontocerebellar hypoplasia type 1A (PCH1A). Also called: PONTOCEREBELLAR HYPOPLASIA WITH ANTERIOR HORN CELL DISEASE; PONTOCEREBELLAR HYPOPLASIA WITH INFANTILE SPINAL MUSCULAR ATROPHY. Identifiers: Orphanet 2254, Orphanet 88616, MedGen C1843504, MONDO:0011866, OMIM 607596.

Allele frequency attached by ClinVar (database versions not stated): gnomAD exomes below 0.00001.
gnomAD v4.1: 1 of 1,614,108 alleles (0.000062%); highest among the groups gnomAD compares: Non-Finnish European, 0.000085%; no homozygotes.

Submission:

Labcorp Genetics (formerly Invitae), Labcorp
Classification: Uncertain significance for Pontocerebellar hypoplasia type 1A. Last evaluated: 2022-02-27. Review status: criteria provided, single submitter. Criteria: Invitae Variant Classification Sherloc (09022015). Collection method: clinical testing. Allele origin: germline.
Comment: This sequence change replaces isoleucine, which is neutral and non-polar, with valine, which is neutral and non-polar, at codon 225 of the VRK1 protein (p.Ile225Val). This variant is not present in population databases (gnomAD no frequency). In summary, the available evidence is currently insufficient to determine the role of this variant in disease. Therefore, it has been classified as a Variant of Uncertain Significance. Algorithms developed to predict the effect of missense changes on protein structure and function output the following: SIFT: "Tolerated"; PolyPhen-2: "Benign"; Align-GVGD: "Class C0". The valine amino acid residue is found in multiple mammalian species, which suggests that this missense change does not adversely affect protein function. This variant has not been reported in the literature in individuals affected with VRK1-related conditions.

NM_003384.3(VRK1):c.673A>G (p.Ile225Val)

Gene: VRK1 (VRK serine/threonine kinase 1; plus strand). Cytogenetic location: 14q32.2.
Variant type: single nucleotide variant.
Coding change: c.673A>G on transcript NM_003384.3 (MANE Select); coding-DNA position 673, A replaced by G.
Protein change: p.Ile225Val; replaces isoleucine 225 with valine.
Molecular consequence: missense variant.
Genome position (GRCh38, 1-based): chr14:96,855,320, A>G. VCF-style: chr14-96855320-A-G. GRCh37 (hg19) VCF-style: chr14-97321657-A-G.
Other names: c.673A>G, p.Ile225Val (NM_001411051.1, NM_001411053.1); short protein forms I225V.
Identifiers: ClinVar variation 2104040 (VCV002104040.4), dbSNP rs2504191490, ClinGen allele CA390931256.